The following is an entry in ClinVar:

ClinVar aggregate classification (germline): Benign (1 of 4 stars; one submission).

Conditions:
Parietal foramina 2 (PFM2). Identifiers: Orphanet 60015, MedGen C1865044, MONDO:0012309, OMIM 609597.

Allele frequency attached by ClinVar (database versions not stated): TOPMed 0.00150; 1000 Genomes Project 30x 0.00156; gnomAD 0.00180 and 0.00184; 1000 Genomes Project 0.00200; gnomAD exomes 0.00259.
gnomAD v4.1: 1,359 of 570,316 alleles (0.24%); highest among the groups gnomAD compares: Middle Eastern, 0.7%; 5 homozygotes.

Submission:

Illumina Laboratory Services, Illumina
Classification: Benign for Parietal foramina 2. Last evaluated: 2018-01-12. Review status: criteria provided, single submitter. Criteria: ICSL Variant Classification Criteria 13 December 2019. Collection method: clinical testing. Allele origin: germline.
Comment: This variant was observed in the ICSL laboratory as part of a predisposition screen in an ostensibly healthy population. It had not been previously curated by ICSL or reported in the Human Gene Mutation Database (HGMD: prior to June 1st, 2018), and was therefore a candidate for classification through an automated scoring system. Utilizing variant allele frequency, disease prevalence and penetrance estimates, and inheritance mode, an automated score was calculated to assess if this variant is too frequent to cause the disease. Based on the score and internal cut-off values, a variant classified as benign is not then subjected to further curation. The score for this variant resulted in a classification of benign for this disease.

NM_021926.4(ALX4):c.*262G>A

Gene: ALX4 (ALX homeobox 4; minus strand). Cytogenetic location: 11p11.2.
Variant type: single nucleotide variant.
Coding change: c.*262G>A on transcript NM_021926.4 (MANE Select); 262 bases downstream of the stop codon, G replaced by A.
Molecular consequence: 3 prime UTR variant.
Genome position (GRCh38, 1-based): chr11:44,264,592, C>T on the plus strand (G>A on the coding strand, the complement: ALX4 is on the minus strand). VCF-style: chr11-44264592-C-T. GRCh37 (hg19) VCF-style: chr11-44286142-C-T.
Other names: c.*262G>A (LRG_1256t1).
Identifiers: ClinVar variation 304693 (VCV000304693.5), dbSNP rs560751940, ClinGen allele CA10634909.